The following is an entry in ClinVar:

NM_001130987.2(DYSF):c.6256A>G (p.Ile2086Val)

Gene: DYSF (dysferlin; plus strand). Cytogenetic location: 2p13.2.
Variant type: single nucleotide variant.
Coding change: c.6256A>G on transcript NM_001130987.2 (MANE Select); coding-DNA position 6256, A replaced by G.
Protein change: p.Ile2086Val; replaces isoleucine 2086 with valine.
Molecular consequence: missense variant.
Genome position (GRCh38, 1-based): chr2:71,682,612, A>G. VCF-style: chr2-71682612-A-G. GRCh37 (hg19) VCF-style: chr2-71909742-A-G.
Other names: c.6142A>G, p.Ile2048Val (NM_001130455.2); c.6097A>G, p.Ile2033Val (NM_001130976.2); c.6160A>G, p.Ile2054Val (NM_001130977.2); c.6202A>G, p.Ile2068Val (NM_001130978.2); c.6232A>G, p.Ile2078Val (NM_001130979.2); c.6190A>G, p.Ile2064Val (NM_001130980.2); c.6253A>G, p.Ile2085Val (NM_001130981.2); c.6235A>G, p.Ile2079Val (NM_001130982.2); and 5 more; short protein forms I2047V, I2068V, I2086V, I2055V, I2069V, I2085V, I2033V, I2048V.
Identifiers: ClinVar variation 94353 (VCV000094353.30), dbSNP rs150834671, ClinGen allele CA222205.

ClinVar aggregate classification (germline): Conflicting classifications of pathogenicity. Review status: criteria provided, conflicting classifications (1 of 4 stars). 9 submissions from 9 submitters: Uncertain significance (7); Likely benign (1). 1 of the submissions does not count toward it. Last evaluated 2026-02-01.

Conditions:
Neuromuscular disease caused by qualitative or quantitative defects of dysferlin. Also called: Qualitative or quantitative defects of dysferlin; Dysferlinopathy. Identifiers: Orphanet 207073, MedGen C2931687, MONDO:0016145.
Miyoshi muscular dystrophy 1 (MMD1). Identifiers: Orphanet 45448, MedGen C4551973, MONDO:0024545, OMIM 254130.
Autosomal recessive limb-girdle muscular dystrophy type 2B (LGMDR2). Also called: MUSCULAR DYSTROPHY, LIMB-GIRDLE, TYPE 3; Limb-Girdle Muscular Dystrophy Type 2B (LGMD2B); MUSCULAR DYSTROPHY, LIMB-GIRDLE, AUTOSOMAL RECESSIVE 2; Limb-girdle muscular dystrophy, type 2B. Identifiers: Orphanet 268, MedGen C1850889, MONDO:0009676, OMIM 253601.

Allele frequency attached by ClinVar (database versions not stated): TOPMed 0.00024; gnomAD exomes 0.00040 and 0.00038; 1000 Genomes Project 0.00100; gnomAD 0.00023 and 0.00021; ExAC 0.00040; 1000 Genomes Project 30x 0.00125; ESP Exome Variant Server 0.00015.
gnomAD v4.1: 609 of 1,613,756 alleles (0.038%); highest among the groups gnomAD compares: Middle Eastern, 0.18%; 1 homozygote.

Submissions (9):

Labcorp Genetics (formerly Invitae), Labcorp
Classification: Likely benign for Neuromuscular disease caused by qualitative or quantitative defects of dysferlin. Last evaluated: 2026-02-01. Review status: criteria provided, single submitter. Criteria: Invitae Variant Classification Sherloc (09022015). Collection method: clinical testing. Allele origin: germline.

Revvity Omics, Revvity
Classification: Uncertain significance. Last evaluated: 2025-07-31. Review status: criteria provided, single submitter. Criteria: ACMG Guidelines, 2015. Collection method: clinical testing. Allele origin: germline.

Blueprint Genetics
Classification: Uncertain significance. Last evaluated: 2024-11-26. Review status: criteria provided, single submitter. Criteria: ACMG Guidelines, 2015. Collection method: clinical testing. Allele origin: germline.

Athena Diagnostics
Classification: Uncertain significance. Last evaluated: 2022-10-27. Review status: criteria provided, single submitter. Criteria: Athena Diagnostics Criteria. Collection method: clinical testing. Allele origin: unknown.
Comment: Available data are insufficient to determine the clinical significance of the variant at this time. The frequency of this variant in the general population is uninformative in assessment of its pathogenicity. Computational tools predict that this variant is not damaging.

Genome-Nilou Lab
Classification: Uncertain significance for Miyoshi muscular dystrophy 1. Last evaluated: 2021-05-18. Review status: criteria provided, single submitter. Criteria: ACMG Guidelines, 2015. Collection method: clinical testing. Allele origin: germline. Affected: no.

GeneDx
Classification: Uncertain significance. Last evaluated: 2019-09-11. Review status: criteria provided, single submitter. Criteria: GeneDx Variant Classification Process June 2021. Collection method: clinical testing. Allele origin: germline. Affected: yes.
Comment: In silico analysis, which includes protein predictors and evolutionary conservation, supports that this variant does not alter protein structure/function; Has not been previously published as pathogenic or benign to our knowledge

Illumina Laboratory Services, Illumina
Classification: Uncertain significance for Qualitative or quantitative defects of dysferlin. Last evaluated: 2018-01-13. Review status: criteria provided, single submitter. Criteria: ICSL Variant Classification Criteria 13 December 2019. Collection method: clinical testing. Allele origin: germline.

Eurofins Ntd Llc (ga)
Classification: Uncertain significance. Last evaluated: 2015-11-02. Review status: criteria provided, single submitter. Criteria: EGL Classification Definitions 2015. Collection method: clinical testing. Allele origin: germline. Observed: 1 variant allele, 1 heterozygote.

Natera, Inc.
Classification: Uncertain significance for Limb-girdle muscular dystrophy type 2B. Last evaluated: 2020-01-24. Review status: no assertion criteria provided. Collection method: clinical testing. Allele origin: germline. Not counted in ClinVar's aggregate classification.

Literature cited by the submitters: PubMed 32504279 (cited by Athena Diagnostics).